The following is an entry in ClinVar:

ClinVar aggregate classification (germline): Pathogenic (1 of 4 stars; one submission).

Conditions:
Hereditary cancer-predisposing syndrome. Also called: Tumor predisposition; Neoplastic Syndromes, Hereditary; Hereditary Cancer Syndrome; Hereditary neoplastic syndrome. Identifiers: Orphanet 140162, MedGen C0027672, MeSH D009386, MONDO:0015356.

Submission:

Ambry Genetics
Classification: Pathogenic for Hereditary cancer-predisposing syndrome. Last evaluated: 2024-11-25. Review status: criteria provided, single submitter. Criteria: Ambry Variant Classification Scheme 2023. Collection method: clinical testing. Allele origin: germline.
Comment: The c.2307delT pathogenic mutation, located in coding exon 10 of the BRCA2 gene, results from a deletion of one nucleotide at nucleotide position 2307, causing a translational frameshift with a predicted alternate stop codon (p.I770Ffs*2). This variant was identified in multiple individuals with a personal and/or family history of breast and/or ovarian cancer (Meng H et al. Int J Cancer, 2020 Jun;146:3044-3052; Shao D et al. Cancer Sci, 2020 Feb;111:647-657; Yao L et al. J Hum Genet, 2022 Nov;67:639-642). Of note, this alteration is also known as c.2306delT in published literature. This variant is considered to be rare based on population cohorts in the Genome Aggregation Database (gnomAD). This alteration is expected to result in loss of function by premature protein truncation or nonsense-mediated mRNA decay. As such, this alteration is interpreted as a disease-causing mutation.

Literature cited by the submitters: PubMed 31742824; PubMed 31957001; PubMed 35864222.

NM_000059.4(BRCA2):c.2307del (p.Ile770fs)

Gene: BRCA2 (BRCA2 DNA repair associated; plus strand). Cytogenetic location: 13q13.1.
Variant type: Deletion.
Coding change: c.2307del on transcript NM_000059.4 (MANE Select); coding-DNA position 2307, one base deleted (T; older notation c.2307delT).
Protein change: p.Ile770fs; shifts the reading frame from isoleucine 770.
Molecular consequence: frameshift variant.
Genome position (GRCh38, 1-based): chr13:32,336,662, T deleted; the last of 2 consecutive T bases (chr13:32,336,661-32,336,662); deleting either gives the same sequence. VCF-style (leftmost placement, unchanged base first): chr13-32336660-CT-C. GRCh37 (hg19) VCF-style: chr13-32910797-CT-C.
Other names: c.2307delT (NM_000059.3); short protein forms I770fs.
Identifiers: ClinVar variation 3482201 (VCV003482201.1).